The following is an entry in ClinVar:

ClinVar aggregate classification (germline): Uncertain significance (1 of 4 stars; one submission).

Conditions:
Hereditary cancer-predisposing syndrome. Also called: Hereditary Cancer Syndrome; Hereditary neoplastic syndrome; Neoplastic Syndromes, Hereditary; Tumor predisposition. Identifiers: Orphanet 140162, MedGen C0027672, MeSH D009386, MONDO:0015356.

Submission:

Ambry Genetics
Classification: Uncertain significance for Hereditary cancer-predisposing syndrome. Last evaluated: 2020-09-01. Review status: criteria provided, single submitter. Criteria: Ambry Variant Classification Scheme 2023. Collection method: clinical testing. Allele origin: germline.
Comment: The p.V452A variant (also known as c.1355T>C), located in coding exon 10 of the APC gene, results from a T to C substitution at nucleotide position 1355. The valine at codon 452 is replaced by alanine, an amino acid with similar properties. This amino acid position is highly conserved in available vertebrate species. In addition, in silico predictors for this gene do not accurately predict pathogenicity. Since supporting evidence is limited at this time, the clinical significance of this alteration remains unclear.

NM_000038.6(APC):c.1355T>C (p.Val452Ala)

Gene: APC (APC regulator of Wnt signaling pathway; plus strand). Cytogenetic location: 5q22.2.
Variant type: single nucleotide variant.
Coding change: c.1355T>C on transcript NM_000038.6 (MANE Select); coding-DNA position 1355, T replaced by C.
Protein change: p.Val452Ala; replaces valine 452 with alanine.
Molecular consequence: missense variant.
Genome position (GRCh38, 1-based): chr5:112,821,938, T>C. VCF-style: chr5-112821938-T-C. GRCh37 (hg19) VCF-style: chr5-112157635-T-C.
Other names: c.1355T>C, p.Val452Ala (NM_001127510.3, NM_001354895.2, NM_001354896.2 and 4 more transcripts); c.1301T>C, p.Val434Ala (NM_001127511.3); c.1385T>C, p.Val462Ala (NM_001354897.2, NM_001407446.1); c.1280T>C, p.Val427Ala (NM_001354898.2, NM_001407451.1); c.1271T>C, p.Val424Ala (NM_001354899.2, NM_001407452.1); c.1178T>C, p.Val393Ala (NM_001354900.2, NM_001354901.2, NM_001407453.1); c.1082T>C, p.Val361Ala (NM_001354902.2); c.1052T>C, p.Val351Ala (NM_001354903.2, NM_001407454.1, NM_001407455.1 and 5 more transcripts); and 5 more; short protein forms V169A, V462A, V351A, V361A, V393A, V424A, V427A, V434A.
Identifiers: ClinVar variation 1770696 (VCV001770696.2), dbSNP rs2533108786, ClinGen allele CA16024271.